The following is an entry in ClinVar:

ClinVar aggregate classification (germline): Conflicting classifications of pathogenicity. Review status: criteria provided, conflicting classifications (1 of 4 stars). 3 submissions from 3 submitters: Uncertain significance (2); Likely benign (1). Last evaluated 2023-03-23.

Conditions:
Hereditary cancer-predisposing syndrome. Also called: Hereditary neoplastic syndrome; Neoplastic Syndromes, Hereditary; Tumor predisposition; Hereditary Cancer Syndrome. Identifiers: Orphanet 140162, MedGen C0027672, MeSH D009386, MONDO:0015356.

Allele frequency attached by ClinVar (database versions not stated): TOPMed below 0.00001.

Submissions (3):

University of Washington Department of Laboratory Medicine, University of Washington
Classification: Likely benign for Hereditary cancer-predisposing syndrome. Last evaluated: 2023-03-23. Review status: criteria provided, single submitter. Criteria: Dines et al. (Genet Med. 2020). Collection method: curation. Allele origin: germline.
Comment: Missense variant in a coldspot region where missense variants are very unlikely to be pathogenic (PMID:31911673).

BRCA2 exon 10 coldspot. Reclassification based on statistical prior probability.

Ambry Genetics
Classification: Uncertain significance for Hereditary cancer-predisposing syndrome. Last evaluated: 2019-09-23. Review status: criteria provided, single submitter. Criteria: Ambry Variant Classification Scheme 2023. Collection method: clinical testing. Allele origin: germline.
Comment: The p.C554G variant (also known as c.1660T>G), located in coding exon 9 of the BRCA2 gene, results from a T to G substitution at nucleotide position 1660. The cysteine at codon 554 is replaced by glycine, an amino acid with highly dissimilar properties. This amino acid position is well conserved in available vertebrate species. In addition, this alteration is predicted to be tolerated by in silico analysis. Since supporting evidence is limited at this time, the clinical significance of this alteration remains unclear.

Quest Diagnostics Nichols Institute San Juan Capistrano
Classification: Uncertain significance. Last evaluated: 2019-01-16. Review status: criteria provided, single submitter. Criteria: Quest Diagnostics criteria. Collection method: clinical testing. Allele origin: germline.

NM_000059.4(BRCA2):c.1660T>G (p.Cys554Gly)

Gene: BRCA2 (BRCA2 DNA repair associated; plus strand). Cytogenetic location: 13q13.1.
Variant type: single nucleotide variant.
Coding change: c.1660T>G on transcript NM_000059.4 (MANE Select); coding-DNA position 1660, T replaced by G.
Protein change: p.Cys554Gly; replaces cysteine 554 with glycine.
Molecular consequence: missense variant.
Genome position (GRCh38, 1-based): chr13:32,333,138, T>G. VCF-style: chr13-32333138-T-G. GRCh37 (hg19) VCF-style: chr13-32907275-T-G.
Other names: short protein forms C554G.
Identifiers: ClinVar variation 185406 (VCV000185406.9), dbSNP rs786202149, ClinGen allele CA012813.